The following is an entry in ClinVar:

ClinVar aggregate classification (germline): Uncertain significance (1 of 4 stars; one submission).

Conditions:
Hereditary cancer-predisposing syndrome. Also called: Hereditary Cancer Syndrome; Tumor predisposition; Hereditary neoplastic syndrome; Neoplastic Syndromes, Hereditary. Identifiers: Orphanet 140162, MedGen C0027672, MeSH D009386, MONDO:0015356.

Submission:

Ambry Genetics
Classification: Uncertain significance for Hereditary cancer-predisposing syndrome. Last evaluated: 2024-06-17. Review status: criteria provided, single submitter. Criteria: Ambry Variant Classification Scheme 2023. Collection method: clinical testing. Allele origin: germline.
Comment: The c.583delA variant, located in coding exon 2 of the CDKN1B gene, results from a deletion of one nucleotide at nucleotide position 583, causing a translational frameshift with a predicted alternate stop codon (p.R195Dfs*30). This alteration occurs at the 3' terminus of theCDKN1B gene, is not expected to trigger nonsense-mediated mRNAdecay and results in the elongation of the protein by 25 amino acids. This frameshift impacts the last 4amino acids of the native protein. The exact functional effect of the altered amino acids is unknown. Based on the available evidence, the clinical significance of this variant remains unclear.

NM_004064.5(CDKN1B):c.583del (p.Arg195fs)

Gene: CDKN1B (cyclin dependent kinase inhibitor 1B; plus strand). Cytogenetic location: 12p13.1.
Variant type: Deletion.
Coding change: c.583del on transcript NM_004064.5 (MANE Select); coding-DNA position 583, one base deleted (A; older notation c.583delA).
Protein change: p.Arg195fs; shifts the reading frame from arginine 195.
Molecular consequence: frameshift variant.
Genome position (GRCh38, 1-based): chr12:12,718,932, A deleted; the last of 2 consecutive A bases (chr12:12,718,931-12,718,932); deleting either gives the same sequence. VCF-style (leftmost placement, unchanged base first): chr12-12718930-GA-G. GRCh37 (hg19) VCF-style: chr12-12871864-GA-G.
Other names: short protein forms R195fs.
Identifiers: ClinVar variation 3265565 (VCV003265565.1).